The following is an entry in ClinVar:

NM_000043.6(FAS):c.651+2T>C

Gene: FAS (Fas cell surface death receptor; plus strand). Cytogenetic location: 10q23.31.
Variant type: single nucleotide variant.
Coding change: c.651+2T>C on transcript NM_000043.6 (MANE Select); the canonical splice donor site of the intron after coding-DNA position 651, T replaced by C.
Molecular consequence: splice donor variant. On other transcripts: intron variant (1).
Genome position (GRCh38, 1-based): chr10:89,012,083, T>C. VCF-style: chr10-89012083-T-C. GRCh37 (hg19) VCF-style: chr10-90771840-T-C.
Other names: FAS, PRO201FS, 204TER; c.651+2T>C (NM_152872.4); c.569-1260T>C (NM_001320619.2); c.588+2T>C (NM_152871.4); c.696+2T>C (NM_001410956.1).
Identifiers: ClinVar variation 16514 (VCV000016514.9), dbSNP rs267607122, ClinGen allele CA126606.

ClinVar aggregate classification (germline): Pathogenic. Review status: criteria provided, multiple submitters, no conflicts (2 of 4 stars). 3 submissions from 3 submitters: Pathogenic (2). 1 of the submissions does not count toward it. Last evaluated 2023-07-10.

Conditions:
Autoimmune lymphoproliferative syndrome type 1. Also called: AUTOIMMUNE LYMPHOPROLIFERATIVE SYNDROME, TYPE I, AUTOSOMAL DOMINANT. Identifiers: Orphanet 3261, MedGen C2717884, MONDO:0011158, OMIM 601859.
FAS-related autoimmune lymphoproliferative syndrome. Also called: AUTOIMMUNE LYMPHOPROLIFERATIVE SYNDROME, TYPE IA, AUTOSOMAL RECESSIVE; AUTOIMMUNE LYMPHOPROLIFERATIVE SYNDROME, TYPE IA. Identifiers: MedGen C1866119, MONDO:1060194.

Submissions (3):

Labcorp Genetics (formerly Invitae), Labcorp
Classification: Pathogenic for Autoimmune lymphoproliferative syndrome. Last evaluated: 2023-07-10. Review status: criteria provided, single submitter. Criteria: Invitae Variant Classification Sherloc (09022015). Collection method: clinical testing. Allele origin: germline.
Comment: For these reasons, this variant has been classified as Pathogenic. This sequence change affects a donor splice site in intron 7 of the FAS gene. RNA analysis indicates that disruption of this splice site induces altered splicing and may result in an absent or disrupted protein product. This variant is not present in population databases (gnomAD no frequency). Disruption of this splice site has been observed in individuals with autosomal dominant autoimmune lymphoproliferative syndrome (PMID: 9533447, 15459303, 22237435). ClinVar contains an entry for this variant (Variation ID: 16514). Studies have shown that disruption of this splice site results in skipping of exon 7 and introduces a premature termination codon (PMID: 15459303). The resulting mRNA is expected to undergo nonsense-mediated decay.

Institute of Human Genetics Munich, TUM University Hospital
Classification: Pathogenic for Autoimmune lymphoproliferative syndrome type 1. Last evaluated: 2023-06-23. Review status: criteria provided, single submitter. Criteria: Classification criteria August 2017. Collection method: clinical testing. Allele origin: de novo. Inheritance: Autosomal dominant inheritance. Affected: yes. Observed: 1 variant allele.

OMIM
Classification: Pathogenic for AUTOIMMUNE LYMPHOPROLIFERATIVE SYNDROME, TYPE IA. Last evaluated: 2004-09-30. Review status: no assertion criteria provided. Collection method: literature only. Allele origin: germline. Not counted in ClinVar's aggregate classification.

Literature cited by the submitters: PubMed 9533447 (cited by Labcorp Genetics (formerly Invitae), Labcorp); PubMed 15459303 (cited by Labcorp Genetics (formerly Invitae), Labcorp); PubMed 22237435 (cited by Labcorp Genetics (formerly Invitae), Labcorp); PubMed 15459302 (cited by OMIM); PubMed 10515860 (cited by OMIM).